The following is an entry in ClinVar:

ClinVar aggregate classification (germline): Uncertain significance (1 of 4 stars; one submission).

Allele frequency attached by ClinVar (database versions not stated): gnomAD exomes 0.00003.

Submission:

Labcorp Genetics (formerly Invitae), Labcorp
Classification: Uncertain significance. Last evaluated: 2021-09-24. Review status: criteria provided, single submitter. Criteria: Invitae Variant Classification Sherloc (09022015). Collection method: clinical testing. Allele origin: germline.
Comment: This sequence change replaces proline with alanine at codon 94 of the HOXA13 protein (p.Pro94Ala). The proline residue is moderately conserved and there is a small physicochemical difference between proline and alanine. The frequency data for this variant in the population databases is considered unreliable, as metrics indicate insufficient coverage at this position in the ExAC database. This variant has not been reported in the literature in individuals with HOXA13-related conditions. Algorithms developed to predict the effect of missense changes on protein structure and function are either unavailable or do not agree on the potential impact of this missense change (SIFT: "Tolerated"; PolyPhen-2: "Not Available"; Align-GVGD: "Class C0"). In summary, the available evidence is currently insufficient to determine the role of this variant in disease. Therefore, it has been classified as a Variant of Uncertain Significance.

NM_000522.5(HOXA13):c.280C>G (p.Pro94Ala)

Genes: HOXA13 (homeobox A13; minus strand), LOC107126288 (NUP98-HOXA13 recombination region; plus strand). Cytogenetic location: 7p15.2.
Variant type: single nucleotide variant.
Coding change: c.280C>G on transcript NM_000522.5 (MANE Select); coding-DNA position 280, C replaced by G.
Protein change: p.Pro94Ala; replaces proline 94 with alanine.
Molecular consequence: missense variant.
Genome position (GRCh38, 1-based): chr7:27,199,798, G>C on the plus strand (C>G on the coding strand, the complement: HOXA13 is on the minus strand). VCF-style: chr7-27199798-G-C. GRCh37 (hg19) VCF-style: chr7-27239417-G-C.
Other names: short protein forms P94A.
Identifiers: ClinVar variation 1419149 (VCV001419149.5), dbSNP rs1784069794, ClinGen allele CA367075053.
Genomic context (GRCh38, chr7:27,199,798, plus strand): 5'-GGGGCGCCTCCCCGGGGGCGCTGCTGTAGGCGGACGCGGCTCCTGGCGCCAAGGGCGCCG[G>C]GTGCGCCATCAGGTTGCGGCACTGGTTGGCCGCGGCCGCCGCCGCAGCCGCGGCCGCCGC-3'
Protein context (NP_000513.2, residues 84-104): ANQCRNLMAH[Pro94Ala]APLAPGAASA